The following is an entry in ClinVar:

NM_001170629.2(CHD8):c.3733C>T (p.Arg1245Ter)

Gene: CHD8 (chromodomain helicase DNA binding protein 8; minus strand). Cytogenetic location: 14q11.2.
Variant type: single nucleotide variant.
Coding change: c.3733C>T on transcript NM_001170629.2 (MANE Select); coding-DNA position 3733, C replaced by T.
Protein change: p.Arg1245Ter; replaces arginine 1245 with a stop codon.
Molecular consequence: nonsense.
Genome position (GRCh38, 1-based): chr14:21,402,485, G>A on the plus strand (C>T on the coding strand, the complement: CHD8 is on the minus strand). VCF-style: chr14-21402485-G-A. GRCh37 (hg19) VCF-style: chr14-21870644-G-A.
Other names: c.2896C>T, p.Arg966Ter (NM_020920.4); short protein forms R1245*, R966*.
Identifiers: ClinVar variation 280734 (VCV000280734.26), dbSNP rs886041884, ClinGen allele CA10603198.

ClinVar aggregate classification (germline): Pathogenic. Review status: criteria provided, multiple submitters, no conflicts (2 of 4 stars). 3 submissions from 3 submitters: Pathogenic (3). Last evaluated 2024-07-01.

Submissions (3):

CeGaT Center for Human Genetics Tuebingen
Classification: Pathogenic. Last evaluated: 2024-07-01. Review status: criteria provided, single submitter. Criteria: CeGaT Center For Human Genetics Tuebingen Variant Classification Criteria Version 2. Collection method: clinical testing. Allele origin: germline. Affected: yes. Observed: 1 variant allele.
Comment: CHD8: PVS1, PM2

Labcorp Genetics (formerly Invitae), Labcorp
Classification: Pathogenic. Last evaluated: 2024-05-15. Review status: criteria provided, single submitter. Criteria: Invitae Variant Classification Sherloc (09022015). Collection method: clinical testing. Allele origin: germline.
Comment: This sequence change creates a premature translational stop signal (p.Arg1245*) in the CHD8 gene. It is expected to result in an absent or disrupted protein product. Loss-of-function variants in CHD8 are known to be pathogenic (PMID: 24998929, 26789910). This variant is not present in population databases (gnomAD no frequency). This variant has not been reported in the literature in individuals affected with CHD8-related conditions. ClinVar contains an entry for this variant (Variation ID: 280734). For these reasons, this variant has been classified as Pathogenic.

GeneDx
Classification: Pathogenic. Last evaluated: 2023-05-24. Review status: criteria provided, single submitter. Criteria: GeneDx Variant Classification Process June 2021. Collection method: clinical testing. Allele origin: germline. Affected: yes.
Comment: Nonsense variant predicted to result in protein truncation or nonsense mediated decay in a gene for which loss-of-function is a known mechanism of disease; Not observed at significant frequency in large population cohorts (gnomAD); Has not been previously published as pathogenic or benign to our knowledge

Literature cited by the submitters: PubMed 24998929 (cited by Labcorp Genetics (formerly Invitae), Labcorp); PubMed 26789910 (cited by Labcorp Genetics (formerly Invitae), Labcorp).